The following is an entry in ClinVar:

ClinVar aggregate classification (germline): Uncertain significance (1 of 4 stars; one submission).

Conditions:
Cardiovascular phenotype. Identifiers: MedGen CN230736.

Allele frequency attached by ClinVar (database versions not stated): ExAC 0.00001; gnomAD exomes 0.00001.
gnomAD v4.1: 7 of 1,605,236 alleles (0.00044%); highest among the groups gnomAD compares: Non-Finnish European, 0.00059%; no homozygotes.

Submission:

Ambry Genetics
Classification: Uncertain significance for Cardiovascular phenotype. Last evaluated: 2024-03-13. Review status: criteria provided, single submitter. Criteria: Ambry Variant Classification Scheme 2023. Collection method: clinical testing. Allele origin: germline.
Comment: The p.D1556E variant (also known as c.4668T>A), located in coding exon 17 of the AKAP9 gene, results from a T to A substitution at nucleotide position 4668. The aspartic acid at codon 1556 is replaced by glutamic acid, an amino acid with highly similar properties. This amino acid position is conserved. In addition, this alteration is predicted to be tolerated by in silico analysis. Since supporting evidence is limited at this time, the clinical significance of this alteration remains unclear.

NM_005751.5(AKAP9):c.4668T>A (p.Asp1556Glu)

Gene: AKAP9 (A-kinase anchoring protein 9; plus strand). Cytogenetic location: 7q21.2.
Variant type: single nucleotide variant.
Coding change: c.4668T>A on transcript NM_005751.5 (MANE Select); coding-DNA position 4668, T replaced by A.
Protein change: p.Asp1556Glu; replaces aspartic acid 1556 with glutamic acid.
Molecular consequence: missense variant.
Genome position (GRCh38, 1-based): chr7:92,038,748, T>A. VCF-style: chr7-92038748-T-A. GRCh37 (hg19) VCF-style: chr7-91668062-T-A.
Other names: c.4668T>A, p.Asp1556Glu (NM_147185.3); short protein forms D1556E.
Identifiers: ClinVar variation 1742290 (VCV001742290.2), dbSNP rs775361518, ClinGen allele CA4336603.